The following is an entry in ClinVar:

ClinVar aggregate classification (germline): Conflicting classifications of pathogenicity. Review status: criteria provided, conflicting classifications (1 of 4 stars). 2 submissions from 2 submitters: Uncertain significance (1); Likely benign (1). Last evaluated 2025-12-01.

Conditions:
Cardiovascular phenotype. Identifiers: MedGen CN230736.
Dilated cardiomyopathy 1O (CMD1O). Also called: CARDIOMYOPATHY, DILATED, WITH VENTRICULAR TACHYCARDIA. Identifiers: Orphanet 154, MedGen C1837839, MONDO:0012062, OMIM 608569.

Allele frequency attached by ClinVar (database versions not stated): gnomAD exomes below 0.00001 and 0.00001; ExAC 0.00001; gnomAD 0.00005; TOPMed 0.00005; ESP Exome Variant Server 0.00015.
gnomAD v4.1: 8 of 1,613,974 alleles (0.0005%); highest among the groups gnomAD compares: African/African-American, 0.011%; no homozygotes.

Submissions (2):

Labcorp Genetics (formerly Invitae), Labcorp
Classification: Uncertain significance for Dilated cardiomyopathy 1O. Last evaluated: 2025-12-01. Review status: criteria provided, single submitter. Criteria: Invitae Variant Classification Sherloc (09022015). Collection method: clinical testing. Allele origin: germline.
Comment: This sequence change replaces lysine, which is basic and polar, with arginine, which is basic and polar, at codon 1537 of the ABCC9 protein (p.Lys1537Arg). This variant is present in population databases (rs148547035, gnomAD 0.02%). This variant has not been reported in the literature in individuals affected with ABCC9-related conditions. ClinVar contains an entry for this variant (Variation ID: 943561). Invitae Evidence Modeling of protein sequence and biophysical properties (such as structural, functional, and spatial information, amino acid conservation, physicochemical variation, residue mobility, and thermodynamic stability) indicates that this missense variant is not expected to disrupt ABCC9 protein function with a negative predictive value of 80%. Algorithms developed to predict the effect of sequence changes on RNA splicing suggest that this variant may disrupt the consensus splice site. In summary, the available evidence is currently insufficient to determine the role of this variant in disease. Therefore, it has been classified as a Variant of Uncertain Significance.

Ambry Genetics
Classification: Likely benign for Cardiovascular phenotype. Last evaluated: 2024-02-02. Review status: criteria provided, single submitter. Criteria: Ambry Variant Classification Scheme 2023. Collection method: clinical testing. Allele origin: germline.

NM_020297.4(ABCC9):c.4512+784A>G

Genes: ABCC9 (ATP binding cassette subfamily C member 9; minus strand), KCNJ8-AS1 (KCNJ8 antisense RNA 1; plus strand). Cytogenetic location: 12p12.1.
Variant type: single nucleotide variant.
Coding change: c.4512+784A>G on transcript NM_020297.4 (MANE Select); 784 bases into the intron after coding-DNA position 4512, A replaced by G.
Molecular consequence: intron variant. On other transcripts: missense variant (1).
Genome position (GRCh38, 1-based): chr12:21,805,214, T>C on the plus strand (A>G on the coding strand, the complement: ABCC9 is on the minus strand). VCF-style: chr12-21805214-T-C. GRCh37 (hg19) VCF-style: chr12-21958148-T-C.
Other names: c.4610A>G, p.Lys1537Arg (NM_005691.4); c.3645+784A>G (NM_001377274.1); c.4512+784A>G (NM_001377273.1); short protein forms K1537R.
Identifiers: ClinVar variation 943561 (VCV000943561.11), dbSNP rs148547035, ClinGen allele CA6480803.
Genomic context (GRCh38, chr12:21,805,214, plus strand): 5'-GTGCAATAGATCATGATGGTCTACTTGTTGGTCATCACCAAAGTGGAAAAGAGGCCATTC[T>C]TGTGGGCGAGCAAATTTGGGACAGTATCACACTCCACTAAAATACCCTCAGAAAAGACTA-3'